The following is an entry in ClinVar:

ClinVar aggregate classification (germline): Likely benign (1 of 4 stars; one submission).

gnomAD v4.1: 59 of 1,593,524 alleles (0.0037%); highest among the groups gnomAD compares: Middle Eastern, 0.045%; no homozygotes.

Submission:

Women's Health and Genetics/Laboratory Corporation of America, LabCorp
Classification: Likely benign. Last evaluated: 2025-10-22. Review status: criteria provided, single submitter. Criteria: LabCorp Variant Classification Summary - May 2015. Collection method: clinical testing. Allele origin: germline.
Comment: Variant summary: PKD1 c.2986-20A>C alters a nucleotide located at a position not widely known to affect splicing. Consensus agreement among computation tools predict no significant impact on normal splicing. However, these predictions have yet to be confirmed by functional studies. The variant allele was found at a frequency of 5.9e-05 in 239008 control chromosomes. This frequency is not significantly higher than estimated for disease-causing variants in PKD1, allowing no conclusion about variant significance. To our knowledge, no occurrence of c.2986-20A>C in individuals affected with PKD1-related conditions and no experimental evidence demonstrating its impact on protein function have been reported. No submitters have cited clinical-significance assessments for this variant to ClinVar. Based on the evidence outlined above, the variant was classified as likely benign.

NM_001009944.3(PKD1):c.2986-20A>C

Gene: PKD1 (polycystin 1, transient receptor potential channel interacting; minus strand). Cytogenetic location: 16p13.3.
Variant type: single nucleotide variant.
Coding change: c.2986-20A>C on transcript NM_001009944.3 (MANE Select); 20 bases into the intron before coding-DNA position 2986, A replaced by C.
Molecular consequence: intron variant.
Genome position (GRCh38, 1-based): chr16:2,112,983, T>G on the plus strand (A>C on the coding strand, the complement: PKD1 is on the minus strand). VCF-style: chr16-2112983-T-G. GRCh37 (hg19) VCF-style: chr16-2162984-T-G.
Other names: c.2986-20A>C (NM_000296.4).
Identifiers: ClinVar variation 4687845 (VCV004687845.1).
Genomic context (GRCh38, chr16:2,112,983, plus strand): 5'-TAGTTCACGGTGACGTTGCTCACGTGGTTGGAGGCCGTCAGCTGCAGGGACAGGCGTCAG[T>G]GAGCCCAGGTGGCAGGTGAGAGGCCTGGCCCTGATTGGCGTCCCTCCCTCCACTCACCCA-3'